The following is an entry in ClinVar:

NM_032273.4(TMEM126A):c.337A>G (p.Ile113Val)

Gene: TMEM126A (transmembrane protein 126A; plus strand). Cytogenetic location: 11q14.1.
Variant type: single nucleotide variant.
Coding change: c.337A>G on transcript NM_032273.4 (MANE Select); coding-DNA position 337, A replaced by G.
Protein change: p.Ile113Val; replaces isoleucine 113 with valine.
Molecular consequence: missense variant.
Genome position (GRCh38, 1-based): chr11:85,655,650, A>G. VCF-style: chr11-85655650-A-G. GRCh37 (hg19) VCF-style: chr11-85366694-A-G.
Other names: c.127A>G, p.Ile43Val (NM_001244735.2); short protein forms I43V, I113V.
Identifiers: ClinVar variation 1389109 (VCV001389109.4), dbSNP rs2153313677, ClinGen allele CA381996839.

ClinVar aggregate classification (germline): Uncertain significance (1 of 4 stars; one submission).

gnomAD v4.1: 5 of 1,613,712 alleles (0.00031%); highest among the groups gnomAD compares: Non-Finnish European, 0.00042%; no homozygotes.

Submission:

Labcorp Genetics (formerly Invitae), Labcorp
Classification: Uncertain significance. Last evaluated: 2022-11-08. Review status: criteria provided, single submitter. Criteria: Invitae Variant Classification Sherloc (09022015). Collection method: clinical testing. Allele origin: germline.
Comment: This sequence change replaces isoleucine, which is neutral and non-polar, with valine, which is neutral and non-polar, at codon 113 of the TMEM126A protein (p.Ile113Val). In summary, the available evidence is currently insufficient to determine the role of this variant in disease. Therefore, it has been classified as a Variant of Uncertain Significance. Algorithms developed to predict the effect of missense changes on protein structure and function output the following: SIFT: "Tolerated"; PolyPhen-2: "Benign"; Align-GVGD: "Class C0". The valine amino acid residue is found in multiple mammalian species, which suggests that this missense change does not adversely affect protein function. ClinVar contains an entry for this variant (Variation ID: 1389109). This variant has not been reported in the literature in individuals affected with TMEM126A-related conditions. This variant is not present in population databases (gnomAD no frequency).